The following is an entry in ClinVar:

ClinVar aggregate classification (germline): Pathogenic (1 of 4 stars; one submission).

Conditions:
Osteogenesis imperfecta (OI). Identifiers: Orphanet 666, MedGen C0029434, MeSH D010013, MONDO:0019019.

Submission:

Genetics Department, Polish Mother's Memorial Hospital Research Institute
Classification: Pathogenic for Osteogenesis imperfecta. Last evaluated: 2020-04-06. Review status: criteria provided, single submitter. Criteria: ACMG Guidelines, 2015. Collection method: research. Allele origin: maternal. Affected: yes. Observed: 2 variant alleles.

NM_000088.4(COL1A1):c.1281del (p.Gly428fs)

Gene: COL1A1 (collagen type I alpha 1 chain; minus strand). Cytogenetic location: 17q21.33.
Variant type: Deletion.
Coding change: c.1281del on transcript NM_000088.4 (MANE Select); coding-DNA position 1281, one base deleted (T; older notation c.1281delT).
Protein change: p.Gly428fs; shifts the reading frame from glycine 428.
Molecular consequence: frameshift variant.
Genome position (GRCh38, 1-based): chr17:50,195,250, A deleted on the plus strand (T on the coding strand, the reverse complement: COL1A1 is on the minus strand). VCF-style (leftmost placement, unchanged base first): chr17-50195249-CA-C. GRCh37 (hg19) VCF-style: chr17-48272610-CA-C.
Other names: short protein forms G428fs.
Identifiers: ClinVar variation 870102 (VCV000870102.2), dbSNP rs1907477506, ClinGen allele CA1139665707.